The following is an entry in ClinVar:

ClinVar aggregate classification (germline): Uncertain significance (1 of 4 stars; one submission).

Conditions:
Creatine transporter deficiency (CCDS1). Also called: CEREBRAL CREATINE DEFICIENCY SYNDROME 1; Creatine Transporter (CRTR) Deficiency; Mental retardation , X-linked with seizures, short stature and midface hypoplasia; Mental retardation , X-linked, with creatine transport deficiency; X-linked creatine transporter deficiency; X-linked creatine deficiency syndrome. Identifiers: Orphanet 52503, MedGen C1845862, MONDO:0010305, OMIM 300352.

Submission:

Labcorp Genetics (formerly Invitae), Labcorp
Classification: Uncertain significance for Creatine transporter deficiency. Last evaluated: 2023-05-13. Review status: criteria provided, single submitter. Criteria: Invitae Variant Classification Sherloc (09022015). Collection method: clinical testing. Allele origin: germline.
Comment: This sequence change replaces leucine, which is neutral and non-polar, with arginine, which is basic and polar, at codon 81 of the SLC6A8 protein (p.Leu81Arg). This variant is not present in population databases (gnomAD no frequency). This variant has not been reported in the literature in individuals affected with SLC6A8-related conditions. Advanced modeling of protein sequence and biophysical properties (such as structural, functional, and spatial information, amino acid conservation, physicochemical variation, residue mobility, and thermodynamic stability) performed at Invitae indicates that this missense variant is expected to disrupt SLC6A8 protein function. In summary, the available evidence is currently insufficient to determine the role of this variant in disease. Therefore, it has been classified as a Variant of Uncertain Significance.

NM_005629.4(SLC6A8):c.242T>G (p.Leu81Arg)

Gene: SLC6A8 (solute carrier family 6 member 8; plus strand). Cytogenetic location: Xq28.
Variant type: single nucleotide variant.
Coding change: c.242T>G on transcript NM_005629.4 (MANE Select); coding-DNA position 242, T replaced by G.
Protein change: p.Leu81Arg; replaces leucine 81 with arginine.
Molecular consequence: missense variant.
Genome position (GRCh38, 1-based): chrX:153,688,816, T>G. VCF-style: chrX-153688816-T-G. GRCh37 (hg19) VCF-style: chrX-152954271-T-G.
Other names: c.242T>G, p.Leu81Arg (NM_001142805.2); short protein forms L81R.
Identifiers: ClinVar variation 2863828 (VCV002863828.3), dbSNP rs2522145926, ClinGen allele CA415077071.
Genomic context (GRCh38, chrX:153,688,816, plus strand): 5'-TCATCATGTCGTGCGTGGGCTTCGCCGTGGGCTTGGGCAACGTGTGGCGCTTCCCCTACC[T>G]GTGCTACAAGAACGGCGGAGGTGAGTTCCCCCGCCCGCCGCGGCCTCCTCCCCCAGCAGG-3'
Protein context (NP_005620.1, residues 71-91): GLGNVWRFPY[Leu81Arg]CYKNGGGVFL